The following is an entry in ClinVar:

NM_007118.4(TRIO):c.6640T>C (p.Phe2214Leu)

Gene: TRIO (trio Rho guanine nucleotide exchange factor; plus strand). Cytogenetic location: 5p15.2.
Variant type: single nucleotide variant.
Coding change: c.6640T>C on transcript NM_007118.4 (MANE Select); coding-DNA position 6640, T replaced by C.
Protein change: p.Phe2214Leu; replaces phenylalanine 2214 with leucine.
Molecular consequence: missense variant. On other transcripts: non-coding transcript variant (1).
Genome position (GRCh38, 1-based): chr5:14,482,756, T>C. VCF-style: chr5-14482756-T-C. GRCh37 (hg19) VCF-style: chr5-14482865-T-C.
Other names: c.6640T>C (NM_007118.3); short protein forms F2214L.
Identifiers: ClinVar variation 4969664 (VCV004969664.2).

ClinVar aggregate classification (germline): Uncertain significance. Review status: criteria provided, multiple submitters, no conflicts (2 of 4 stars). 2 submissions from 2 submitters: Uncertain significance (2). Last evaluated 2026-03-31.

Conditions:
TRIO-related disorder. Also called: TRIO-related disorders; TRIO-related condition.

gnomAD v4.1: 17 of 1,601,552 alleles (0.0011%); highest among the groups gnomAD compares: Non-Finnish European, 0.00068%; no homozygotes.

Submissions (2):

PreventionGenetics, part of Exact Sciences
Classification: Uncertain significance for TRIO-related condition. Last evaluated: 2026-03-31. Review status: criteria provided, single submitter. Criteria: ACMG Guidelines, 2015. Collection method: clinical testing. Allele origin: germline.
Comment: The TRIO c.6640T>C variant is predicted to result in the amino acid substitution p.Phe2214Leu. To our knowledge, this variant has not been reported in the literature or in a large population database (gnomAD), indicating this variant is rare. At this time, the clinical significance of this variant is uncertain due to the absence of conclusive functional and genetic evidence.

Blueprint Genetics
Classification: Uncertain significance. Last evaluated: 2022-03-22. Review status: criteria provided, single submitter. Criteria: ACMG Guidelines, 2015. Collection method: clinical testing. Allele origin: germline.